The following is an entry in ClinVar:

NM_001256007.3(PNPLA8):c.1888T>A (p.Leu630Met)

Gene: PNPLA8 (patatin like domain 8, phospholipase A2; minus strand). Cytogenetic location: 7q31.1.
Variant type: single nucleotide variant.
Coding change: c.1888T>A on transcript NM_001256007.3 (MANE Select); coding-DNA position 1888, T replaced by A.
Protein change: p.Leu630Met; replaces leucine 630 with methionine.
Molecular consequence: missense variant.
Genome position (GRCh38, 1-based): chr7:108,479,370, A>T on the plus strand (T>A on the coding strand, the complement: PNPLA8 is on the minus strand). VCF-style: chr7-108479370-A-T. GRCh37 (hg19) VCF-style: chr7-108119814-A-T.
Other names: c.1888T>A, p.Leu630Met (NM_001256008.3, NM_015723.5); c.1702T>A, p.Leu568Met (NM_001256009.3); c.1588T>A, p.Leu530Met (NM_001256010.3, NM_001256011.3); short protein forms L568M, L530M, L630M.
Identifiers: ClinVar variation 1950007 (VCV001950007.3), dbSNP rs766150188, ClinGen allele CA4439432.
Genomic context (GRCh38, chr7:108,479,370, plus strand): 5'-CATCTGGCCAAAGACATTTACACTCATGCATAGCTAATGCCGAAGGGTTATTCAGAAGCA[A>T]ACCTCCATCCTGCAAAATACAAGTTAAAAAAAGAAACTTTTAAAACTGACTCACGGGGAA-3'
Protein context (NP_001242936.1, residues 620-640): LGNDLHQDGG[Leu630Met]LLNNPSALAM

ClinVar aggregate classification (germline): Uncertain significance (1 of 4 stars; one submission).

Allele frequency attached by ClinVar (database versions not stated): TOPMed below 0.00001.
gnomAD v4.1: 1 of 1,609,480 alleles (0.000062%); highest among the groups gnomAD compares: Admixed American, 0.0017%; no homozygotes.

Submission:

Labcorp Genetics (formerly Invitae), Labcorp
Classification: Uncertain significance. Last evaluated: 2022-02-11. Review status: criteria provided, single submitter. Criteria: Invitae Variant Classification Sherloc (09022015). Collection method: clinical testing. Allele origin: germline.
Comment: In summary, the available evidence is currently insufficient to determine the role of this variant in disease. Therefore, it has been classified as a Variant of Uncertain Significance. Algorithms developed to predict the effect of missense changes on protein structure and function are either unavailable or do not agree on the potential impact of this missense change (SIFT: "Deleterious"; PolyPhen-2: "Possibly Damaging"; Align-GVGD: "Class C0"). This variant has not been reported in the literature in individuals affected with PNPLA8-related conditions. This variant is present in population databases (rs766150188, gnomAD 0.003%). This sequence change replaces leucine, which is neutral and non-polar, with methionine, which is neutral and non-polar, at codon 630 of the PNPLA8 protein (p.Leu630Met).